The following is an entry in ClinVar:

NM_002691.4(POLD1):c.2193C>T (p.Thr731=)

Gene: POLD1 (DNA polymerase delta 1, catalytic subunit; plus strand). Cytogenetic location: 19q13.33.
Variant type: single nucleotide variant.
Coding change: c.2193C>T on transcript NM_002691.4 (MANE Select); coding-DNA position 2193, C replaced by T.
Protein change: p.Thr731=; no amino-acid change (threonine 731 retained).
Molecular consequence: synonymous variant. On other transcripts: non-coding transcript variant (1).
Genome position (GRCh38, 1-based): chr19:50,413,464, C>T. VCF-style: chr19-50413464-C-T. GRCh37 (hg19) VCF-style: chr19-50916721-C-T.
Other names: c.2193C>T, p.Thr731= (NM_001256849.1); c.2271C>T, p.Thr757= (NM_001308632.1).
Identifiers: ClinVar variation 385518 (VCV000385518.20), dbSNP rs369067442, ClinGen allele CA9596438.

ClinVar aggregate classification (germline): Likely benign. Review status: criteria provided, multiple submitters, no conflicts (2 of 4 stars). 4 submissions from 4 submitters: Likely benign (3). 1 of the submissions does not count toward it. Last evaluated 2025-12-09.

Conditions:
POLD1-related polyposis and colorectal cancer syndrome (CRCS10). Also called: Colorectal cancer, susceptibility to, 10; Colorectal cancer 10; COLORECTAL CANCER, SUSCEPTIBILITY TO, ON CHROMOSOME 19q. Identifiers: Orphanet 220460, MedGen C2675481, MONDO:0012953, OMIM 612591.
POLD1-related disorder. Also called: POLD1-related disorders; POLD1-related condition.
Hereditary cancer-predisposing syndrome. Also called: Neoplastic Syndromes, Hereditary; Hereditary neoplastic syndrome; Hereditary Cancer Syndrome; Tumor predisposition. Identifiers: Orphanet 140162, MedGen C0027672, MeSH D009386, MONDO:0015356.

Allele frequency attached by ClinVar (database versions not stated): gnomAD exomes below 0.00001; ExAC 0.00001; TOPMed 0.00004; gnomAD 0.00005 and 0.00006; ESP Exome Variant Server 0.00008.
gnomAD v4.1: 11 of 1,613,260 alleles (0.00068%); highest among the groups gnomAD compares: African/African-American, 0.015%; no homozygotes.

Submissions (4):

Labcorp Genetics (formerly Invitae), Labcorp
Classification: Likely benign for POLD1-related polyposis and colorectal cancer syndrome. Last evaluated: 2025-12-09. Review status: criteria provided, single submitter. Criteria: Invitae Variant Classification Sherloc (09022015). Collection method: clinical testing. Allele origin: germline.

GeneDx
Classification: Likely benign. Last evaluated: 2018-11-01. Review status: criteria provided, single submitter. Criteria: GeneDx Variant Classification Process June 2021. Collection method: clinical testing. Allele origin: germline. Affected: yes.

Ambry Genetics
Classification: Likely benign for Hereditary cancer-predisposing syndrome. Last evaluated: 2017-01-24. Review status: criteria provided, single submitter. Criteria: Ambry Variant Classification Scheme 2023. Collection method: clinical testing. Allele origin: germline.

PreventionGenetics, part of Exact Sciences
Classification: Likely benign for POLD1-related condition. Last evaluated: 2019-12-26. Review status: no assertion criteria provided. Collection method: clinical testing. Allele origin: germline. Not counted in ClinVar's aggregate classification.
Comment: This variant is classified as likely benign based on ACMG/AMP sequence variant interpretation guidelines (Richards et al. 2015 PMID: 25741868, with internal and published modifications).